The following is an entry in ClinVar:

ClinVar aggregate classification (germline): Uncertain significance. Review status: criteria provided, multiple submitters, no conflicts (2 of 4 stars). 4 submissions from 4 submitters: Uncertain significance (4). Last evaluated 2025-07-14.

Conditions:
Inborn genetic diseases. Identifiers: MedGen C0950123, MeSH D030342.

Allele frequency attached by ClinVar (database versions not stated): gnomAD 0.00001; gnomAD exomes below 0.00001 and 0.00002; TOPMed 0.00001.
gnomAD v4.1: 5 of 1,594,660 alleles (0.00031%); highest among the groups gnomAD compares: Middle Eastern, 0.017%; no homozygotes.

Submissions (4):

GeneDx
Classification: Uncertain significance. Last evaluated: 2025-07-14. Review status: criteria provided, single submitter. Criteria: GeneDx Variant Classification Process June 2021. Collection method: clinical testing. Allele origin: germline. Affected: yes.
Comment: In silico analysis suggests that this missense variant does not alter protein structure/function; Has not been previously published as pathogenic or benign to our knowledge

Ambry Genetics
Classification: Uncertain significance for Inborn genetic diseases. Last evaluated: 2022-10-26. Review status: criteria provided, single submitter. Criteria: Ambry Variant Classification Scheme 2023. Collection method: clinical testing. Allele origin: germline.

Labcorp Genetics (formerly Invitae), Labcorp
Classification: Uncertain significance. Last evaluated: 2020-12-05. Review status: criteria provided, single submitter. Criteria: Invitae Variant Classification Sherloc (09022015). Collection method: clinical testing. Allele origin: germline.
Comment: In summary, the available evidence is currently insufficient to determine the role of this variant in disease. Therefore, it has been classified as a Variant of Uncertain Significance. Algorithms developed to predict the effect of missense changes on protein structure and function do not agree on the potential impact of this missense change (SIFT: "Deleterious"; PolyPhen-2: "Probably Damaging"; Align-GVGD: "Class C0"). This variant has not been reported in the literature in individuals with TJP2-related disease. This variant is not present in population databases (ExAC no frequency). This sequence change replaces arginine with glutamine at codon 203 of the TJP2 protein (p.Arg203Gln). The arginine residue is moderately conserved and there is a small physicochemical difference between arginine and glutamine.

Eurofins Ntd Llc (ga)
Classification: Uncertain significance. Last evaluated: 2017-08-10. Review status: criteria provided, single submitter. Criteria: EGL Classification Definitions 2015. Collection method: clinical testing. Allele origin: germline. Observed: 1 variant allele, 1 heterozygote.

NM_004817.4(TJP2):c.608G>A (p.Arg203Gln)

Gene: TJP2 (tight junction protein 2; plus strand). Cytogenetic location: 9q21.11.
Variant type: single nucleotide variant.
Coding change: c.608G>A on transcript NM_004817.4 (MANE Select); coding-DNA position 608, G replaced by A.
Protein change: p.Arg203Gln; replaces arginine 203 with glutamine.
Molecular consequence: missense variant.
Genome position (GRCh38, 1-based): chr9:69,221,152, G>A. VCF-style: chr9-69221152-G-A. GRCh37 (hg19) VCF-style: chr9-71836068-G-A.
Other names: c.608G>A, p.Arg203Gln (LRG_1201t1, NM_001369872.1, NM_001369873.1 and 1 more transcripts); c.608G>A (NM_004817.3); c.539G>A, p.Arg180Gln (NM_001170414.2, NM_001369870.1, NM_001369871.1); c.620G>A, p.Arg207Gln (NM_001170415.1, NM_001369874.1, NM_001369875.1); c.701G>A, p.Arg234Gln (NM_001170416.2); short protein forms R203Q, R234Q, R180Q, R207Q.
Identifiers: ClinVar variation 593609 (VCV000593609.13), dbSNP rs1355001907, ClinGen allele CA373528723.
Genomic context (GRCh38, chr9:69,221,152, plus strand): 5'-GGGCCCGGAGCCGGGAGCGGGACCTCAGCCGGGACCGGAGCCGTGGCCGGAGCCTGGAGC[G>A]GGGCCTGGACCAAGACCATGCGCGCACCCGAGACCGCAGCCGTGGCCGGAGCCTGGAGCG-3'
Protein context (NP_004808.2, residues 193-213): RDRSRGRSLE[Arg203Gln]GLDQDHARTR